The following is an entry in ClinVar:

ClinVar aggregate classification (germline): Pathogenic/Likely pathogenic. Review status: criteria provided, multiple submitters, no conflicts (2 of 4 stars). 10 submissions from 10 submitters: Pathogenic (4); Likely pathogenic (5). 1 of the submissions does not count toward it. Last evaluated 2026-09-18.

Conditions:
Cardiovascular phenotype. Identifiers: MedGen CN230736.
ALMS1-related disorder. Also called: ALMS1-related condition.
Alstrom syndrome (ALMS). Identifiers: Orphanet 64, MedGen C0268425, MONDO:0008763, OMIM 203800.
Cystic renal disease.

Allele frequency attached by ClinVar (database versions not stated): ExAC 0.00002; gnomAD exomes 0.00002 and 0.00008; TOPMed 0.00003; gnomAD 0.00004.
gnomAD v4.1: 124 of 1,613,138 alleles (0.0077%); highest among the groups gnomAD compares: Non-Finnish European, 0.01%; no homozygotes.

Submissions (10):

Genetics Laboratory, Great Ormond Street Hospital NHS Foundation Trust, North Thames Genomic Laboratory Hub
Classification: Pathogenic for Cystic renal disease. Last evaluated: 2026-09-18. Review status: criteria provided, single submitter. Criteria: ACGS Best Practice Guidelines for Variant Classification in Rare Disease 2024 v1.2. Collection method: clinical testing. Allele origin: germline. Affected: yes.
Comment: PM2_moderate, PVS1_very-strong

GeneDx
Classification: Likely pathogenic. Last evaluated: 2026-04-15. Review status: criteria provided, single submitter. Criteria: GeneDx Variant Classification Process June 2021. Collection method: clinical testing. Allele origin: germline.
Comment: Has not been previously published as pathogenic or benign to our knowledge; Not observed at significant frequency in large population cohorts (gnomAD); Nonsense variant predicted to result in protein truncation or nonsense mediated decay in a gene for which loss of function is a known mechanism of disease

Labcorp Genetics (formerly Invitae), Labcorp
Classification: Pathogenic for Alstrom syndrome. Last evaluated: 2025-10-13. Review status: criteria provided, single submitter. Criteria: Invitae Variant Classification Sherloc (09022015). Collection method: clinical testing. Allele origin: germline.
Comment: This sequence change creates a premature translational stop signal (p.Gln120*) in the ALMS1 gene. It is expected to result in an absent or disrupted protein product. Loss-of-function variants in ALMS1 are known to be pathogenic (PMID: 17594715). This variant is present in population databases (rs751804613, gnomAD 0.004%). This variant has not been reported in the literature in individuals affected with ALMS1-related conditions. ClinVar contains an entry for this variant (Variation ID: 550543). Algorithms developed to predict the effect of sequence changes on RNA splicing suggest that this variant may disrupt the consensus splice site. For these reasons, this variant has been classified as Pathogenic.

Natera, Inc.
Classification: Likely pathogenic for Alstrom syndrome. Last evaluated: 2025-08-14. Review status: criteria provided, single submitter. Criteria: Natera Variant Classification Schema (03/2026). Collection method: clinical testing. Allele origin: germline.
Comment: The c.358C>T variant in ALMS1 is a nonsense variant predicted to introduce a stop codon at amino acid 120. This variant is expected to result in nonsense mediated decay, truncation, or a dysfunctional protein product. This variant is rare in the general population with a frequency below the threshold expected for the associated phenotype(s). Given the available evidence, this variant is classified as Likely Pathogenic.

Laboratory of Genetics, Children's Clinical University Hospital Latvia
Classification: Pathogenic. Last evaluated: 2025-02-16. Review status: criteria provided, single submitter. Criteria: ACMG Guidelines, 2015. Collection method: clinical testing. Allele origin: germline. Affected: yes.

Women's Health and Genetics/Laboratory Corporation of America, LabCorp
Classification: Likely pathogenic for Alstrom syndrome. Last evaluated: 2023-01-19. Review status: criteria provided, single submitter. Criteria: LabCorp Variant Classification Summary - May 2015. Collection method: clinical testing. Allele origin: germline.
Comment: Variant summary: ALMS1 c.355C>T/p.Gln119X (also known as c.358C>T/p.Gln120Ter in RefSeq) results in a premature termination codon, predicted to cause a truncation of the encoded protein or absence of the protein due to nonsense mediated decay, which are commonly known mechanisms for disease. Truncations downstream of this position have been classified as pathogenic by our laboratory. The variant allele was found at a frequency of 2.4e-05 in 249368 control chromosomes. To our knowledge, no occurrence of c.355C>T in individuals affected with Alstrom Syndrome and no experimental evidence demonstrating its impact on protein function have been reported. Four clinical diagnostic laboratories have submitted clinical-significance assessments for this variant to ClinVar after 2014 without evidence for independent evaluation. All laboratories classified the variant as pathogenic/likely pathogenic. Based on the evidence outlined above, the variant was classified as likely pathogenic.

Blueprint Genetics
Classification: Likely pathogenic for ALMS1-related disorders. Last evaluated: 2022-06-17. Review status: criteria provided, single submitter. Criteria: ACMG Guidelines, 2015. Collection method: clinical testing. Allele origin: germline. Affected: yes. Observed: 3 variant alleles.

Fulgent Genetics
Classification: Likely pathogenic for Alstrom syndrome. Last evaluated: 2022-04-07. Review status: criteria provided, single submitter. Criteria: ACMG Guidelines, 2015. Collection method: clinical testing. Allele origin: unknown.

Ambry Genetics
Classification: Pathogenic for Cardiovascular phenotype. Last evaluated: 2020-12-07. Review status: criteria provided, single submitter. Criteria: Ambry Variant Classification Scheme 2023. Collection method: clinical testing. Allele origin: germline.
Comment: The p.Q120* pathogenic mutation (also known as c.358C>T), located in coding exon 2 of the ALMS1 gene, results from a C to T substitution at nucleotide position 358. This changes the amino acid from a glutamine to a stop codon within coding exon 2. This alteration is expected to result in loss of function by premature protein truncation or nonsense-mediated mRNA decay. As such, this alteration is interpreted as a disease-causing mutation.

Counsyl
Classification: Likely pathogenic for Alstrom syndrome. Last evaluated: 2017-01-31. Review status: no assertion criteria provided. Collection method: clinical testing. Allele origin: unknown. Not counted in ClinVar's aggregate classification.

Literature cited by the submitters: PubMed 17594715 (cited by Labcorp Genetics (formerly Invitae), Labcorp).

NM_001378454.1(ALMS1):c.355C>T (p.Gln119Ter)

Gene: ALMS1 (ALMS1 centrosome and basal body associated protein; plus strand). Cytogenetic location: 2p13.1.
Variant type: single nucleotide variant.
Coding change: c.355C>T on transcript NM_001378454.1 (MANE Select); coding-DNA position 355, C replaced by T.
Protein change: p.Gln119Ter; replaces glutamine 119 with a stop codon.
Molecular consequence: nonsense.
Genome position (GRCh38, 1-based): chr2:73,408,652, C>T. VCF-style: chr2-73408652-C-T. GRCh37 (hg19) VCF-style: chr2-73635780-C-T.
Other names: c.358C>T, p.Gln120Ter (NM_015120.4); short protein forms Q120*, Q119*.
Identifiers: ClinVar variation 550543 (VCV000550543.23), dbSNP rs751804613, ClinGen allele CA1712818.